The following is an entry in ClinVar:

NM_000282.4(PCCA):c.1977_1978dup (p.Ser660fs)

Gene: PCCA (propionyl-CoA carboxylase subunit alpha; plus strand). Cytogenetic location: 13q32.3.
Variant type: Duplication.
Coding change: c.1977_1978dup on transcript NM_000282.4 (MANE Select); coding-DNA positions 1977 to 1978, 2 bases duplicated (CA; older notation c.1977_1978dupCA).
Protein change: p.Ser660fs; shifts the reading frame from serine 660.
Molecular consequence: frameshift variant. On other transcripts: non-coding transcript variant (4), intron variant (2).
Genome position (GRCh38, 1-based): chr13:100,515,504-100,515,505, CA duplicated. VCF-style (leftmost placement, unchanged base first): chr13-100515503-G-GCA. GRCh37 (hg19) VCF-style: chr13-101167757-G-GCA.
Other names: c.1899_1900dup, p.Ser634fs (NM_001127692.3); c.1923_1924dup, p.Ser642fs (NM_001352605.2); c.1833_1834dup, p.Ser612fs (NM_001352606.2); c.1755_1756dup, p.Ser586fs (NM_001352608.2); c.1032_1033dup, p.Ser345fs (NM_001352610.2); c.978_979dup, p.Ser327fs (NM_001352611.2); c.888_889dup, p.Ser297fs (NM_001352612.2); c.1900-12171_1900-12170dup (NM_001178004.2); and 1 more; short protein forms S586fs, S634fs, S297fs, S612fs, S642fs, S327fs, S345fs, S660fs.
Identifiers: ClinVar variation 2841823 (VCV002841823.3), dbSNP rs2549049277, ClinGen allele CA2739277707.

ClinVar aggregate classification (germline): Pathogenic (1 of 4 stars; one submission).

Conditions:
Propionic acidemia (PROP). Also called: GLYCINEMIA, KETOTIC; HYPERGLYCINEMIA WITH KETOACIDOSIS AND LEUKOPENIA; KETOTIC HYPERGLYCINEMIA. Identifiers: Orphanet 35, MedGen C0268579, MONDO:0011628, OMIM 606054, HP:0003571.

Submission:

Labcorp Genetics (formerly Invitae), Labcorp
Classification: Pathogenic for Propionic acidemia. Last evaluated: 2023-03-01. Review status: criteria provided, single submitter. Criteria: Invitae Variant Classification Sherloc (09022015). Collection method: clinical testing. Allele origin: germline.
Comment: This variant is not present in population databases (gnomAD no frequency). For these reasons, this variant has been classified as Pathogenic. This variant has not been reported in the literature in individuals affected with PCCA-related conditions. This sequence change creates a premature translational stop signal (p.Ser660Thrfs*23) in the PCCA gene. It is expected to result in an absent or disrupted protein product. Loss-of-function variants in PCCA are known to be pathogenic (PMID: 15464417).

Literature cited by the submitters: PubMed 15464417.